The following is an entry in ClinVar:

NM_030912.3(TRIM8):c.478C>T (p.Gln160Ter)

Gene: TRIM8 (tripartite motif containing 8; plus strand). Cytogenetic location: 10q24.32.
Variant type: single nucleotide variant.
Coding change: c.478C>T on transcript NM_030912.3 (MANE Select); coding-DNA position 478, C replaced by T.
Protein change: p.Gln160Ter; replaces glutamine 160 with a stop codon.
Molecular consequence: nonsense. On other transcripts: non-coding transcript variant (1).
Genome position (GRCh38, 1-based): chr10:102,645,095, C>T. VCF-style: chr10-102645095-C-T. GRCh37 (hg19) VCF-style: chr10-104404852-C-T.
Other names: c.478C>T, p.Gln160Ter (NM_001345950.1); short protein forms Q160*.
Identifiers: ClinVar variation 2082739 (VCV002082739.4), dbSNP rs2492888387, ClinGen allele CA377925617.

ClinVar aggregate classification (germline): Uncertain significance (1 of 4 stars; one submission).

Submission:

Labcorp Genetics (formerly Invitae), Labcorp
Classification: Uncertain significance. Last evaluated: 2022-01-14. Review status: criteria provided, single submitter. Criteria: Invitae Variant Classification Sherloc (09022015). Collection method: clinical testing. Allele origin: germline.
Comment: This variant has not been reported in the literature in individuals affected with TRIM8-related conditions. This variant is not present in population databases (gnomAD no frequency). This sequence change creates a premature translational stop signal (p.Gln160*) in the TRIM8 gene. It is expected to result in an absent or disrupted protein product. However, the current clinical and genetic evidence is not sufficient to establish whether loss-of-function variants in TRIM8 cause disease. Algorithms developed to predict the effect of sequence changes on RNA splicing suggest that this variant may create or strengthen a splice site. In summary, the available evidence is currently insufficient to determine the role of this variant in disease. Therefore, it has been classified as a Variant of Uncertain Significance.